The following is an entry in ClinVar:

NM_006514.4(SCN10A):c.3361C>A (p.Arg1121Ser)

Genes: SCN10A (sodium voltage-gated channel alpha subunit 10; minus strand), LOC110121288 (VISTA enhancer hs2268; plus strand). Cytogenetic location: 3p22.2.
Variant type: single nucleotide variant.
Coding change: c.3361C>A on transcript NM_006514.4 (MANE Select); coding-DNA position 3361, C replaced by A.
Protein change: p.Arg1121Ser; replaces arginine 1121 with serine.
Molecular consequence: missense variant.
Genome position (GRCh38, 1-based): chr3:38,722,404, G>T on the plus strand (C>A on the coding strand, the complement: SCN10A is on the minus strand). VCF-style: chr3-38722404-G-T. GRCh37 (hg19) VCF-style: chr3-38763895-G-T.
Other names: c.3358C>A, p.Arg1120Ser (NM_001293306.2); c.3067C>A, p.Arg1023Ser (NM_001293307.2); short protein forms R1023S, R1120S, R1121S.
Identifiers: ClinVar variation 835425 (VCV000835425.13), dbSNP rs146965005, ClinGen allele CA2320252.

ClinVar aggregate classification (germline): Conflicting classifications of pathogenicity. Review status: criteria provided, conflicting classifications (1 of 4 stars). 5 submissions from 5 submitters: Uncertain significance (1); Likely benign (3). 1 of the submissions does not count toward it. Last evaluated 2026-03-20.

Conditions:
SCN10A-related disorder. Also called: SCN10A-related condition.
Cardiovascular phenotype. Identifiers: MedGen CN230736.
Brugada syndrome. Also called: Sudden unexpected nocturnal death syndrome; Sudden Unexplained Death Syndrome; Sudden Unexplained Nocturnal Death Syndrome (SUNDS); Sudden unexplained nocturnal death syndrome. Identifiers: Orphanet 130, MedGen C1142166, MONDO:0015263.

Allele frequency attached by ClinVar (database versions not stated): ESP Exome Variant Server 0.00031; TOPMed 0.00066.
gnomAD v4.1: 128 of 1,613,506 alleles (0.0079%); highest among the groups gnomAD compares: African/African-American, 0.14%; no homozygotes.

Submissions (5):

Women's Health and Genetics/Laboratory Corporation of America, LabCorp
Classification: Likely benign. Last evaluated: 2026-03-20. Review status: criteria provided, single submitter. Criteria: LabCorp Variant Classification Summary - May 2015. Collection method: clinical testing. Allele origin: germline.

Labcorp Genetics (formerly Invitae), Labcorp
Classification: Likely benign for Brugada syndrome. Last evaluated: 2026-01-18. Review status: criteria provided, single submitter. Criteria: Invitae Variant Classification Sherloc (09022015). Collection method: clinical testing. Allele origin: germline.

GeneDx
Classification: Uncertain significance. Last evaluated: 2024-08-14. Review status: criteria provided, single submitter. Criteria: GeneDx Variant Classification Process June 2021. Collection method: clinical testing. Allele origin: germline. Affected: yes.
Comment: Has not been previously published as pathogenic or benign to our knowledge; In silico analysis supports that this missense variant has a deleterious effect on protein structure/function

Ambry Genetics
Classification: Likely benign for Cardiovascular phenotype. Last evaluated: 2020-11-19. Review status: criteria provided, single submitter. Criteria: Ambry Variant Classification Scheme 2023. Collection method: clinical testing. Allele origin: germline.

PreventionGenetics, part of Exact Sciences
Classification: Likely benign for SCN10A-related condition. Last evaluated: 2024-03-19. Review status: no assertion criteria provided. Collection method: clinical testing. Allele origin: germline. Not counted in ClinVar's aggregate classification.
Comment: This variant is classified as likely benign based on ACMG/AMP sequence variant interpretation guidelines (Richards et al. 2015 PMID: 25741868, with internal and published modifications).